The following is an entry in ClinVar:

NM_000258.3(MYL3):c.31G>C (p.Asp11His)

Gene: MYL3 (myosin light chain 3; minus strand). Cytogenetic location: 3p21.31.
Variant type: single nucleotide variant.
Coding change: c.31G>C on transcript NM_000258.3 (MANE Select); coding-DNA position 31, G replaced by C.
Protein change: p.Asp11His; replaces aspartic acid 11 with histidine.
Molecular consequence: missense variant.
Genome position (GRCh38, 1-based): chr3:46,863,360, C>G on the plus strand (G>C on the coding strand, the complement: MYL3 is on the minus strand). VCF-style: chr3-46863360-C-G. GRCh37 (hg19) VCF-style: chr3-46904850-C-G.
Other names: c.31G>C, p.Asp11His (NM_001406937.1, NM_001406938.1, NM_001406939.1); short protein forms D11H.
Identifiers: ClinVar variation 3893814 (VCV003893814.1).
Genomic context (GRCh38, chr3:46,863,360, plus strand): 5'-GCTCAGGCTCAGGGGGAGGTGCGGGAGCTGGAGCTGCCTTGGGGGCTGCCTTGGCATCAT[C>G]CTTCTTGGGCTCTGGCTTTTTGGGGGCCATTGGGGGCTGTAAGTACAGAGAGGGATGTGG-3'
Protein context (NP_000249.1, residues 1-21): MAPKKPEPKK[Asp11His]DAKAAPKAAP

ClinVar aggregate classification (germline): Uncertain significance (1 of 4 stars; one submission).

Conditions:
Cardiomyopathy (CMYO). Also called: Cardiomyopathies. Identifiers: Orphanet 167848, MedGen C0878544, MONDO:0004994, HP:0001638. Inheritance: Various modes of inheritance.

Submission:

Color Diagnostics, LLC DBA Color Health
Classification: Uncertain significance for Cardiomyopathy. Last evaluated: 2025-02-23. Review status: criteria provided, single submitter. Criteria: ACMG Guidelines, 2015. Collection method: clinical testing. Allele origin: germline.
Comment: This missense variant replaces aspartic acid with histidine at codon 11 of the MYL3 protein. Computational prediction suggests that this variant may not impact protein structure and function (internally defined REVEL score threshold <= 0.5, PMID: 27666373). To our knowledge, functional studies have not been reported for this variant. This variant has not been reported in individuals affected with MYL3-related disorders in the literature. This variant has not been identified in the general population by the Genome Aggregation Database (gnomAD). The available evidence is insufficient to determine the role of this variant in disease conclusively. Therefore, this variant is classified as a Variant of Uncertain Significance.